The following is an entry in ClinVar:

ClinVar aggregate classification (germline): Benign (0 of 4 stars; one submission).

Conditions:
NTRK3-related disorder. Also called: NTRK3-related condition.

Allele frequency attached by ClinVar (database versions not stated): ESP Exome Variant Server 0.00085; gnomAD exomes 0.00439; gnomAD 0.00563; TOPMed 0.00631; ExAC 0.01190; 1000 Genomes Project 30x 0.03014; 1000 Genomes Project 0.03275.
gnomAD v4.1: 7,555 of 1,614,048 alleles (0.47%); highest among the groups gnomAD compares: East Asian, 14%; 462 homozygotes.

Submission:

PreventionGenetics, part of Exact Sciences
Classification: Benign for NTRK3-related condition. Last evaluated: 2019-10-03. Review status: no assertion criteria provided. Collection method: clinical testing. Allele origin: germline.
Comment: This variant is classified as benign based on ACMG/AMP sequence variant interpretation guidelines (Richards et al. 2015 PMID: 25741868, with internal and published modifications).

NM_001012338.3(NTRK3):c.1767C>T (p.Ala589=)

Gene: NTRK3 (neurotrophic receptor tyrosine kinase 3; minus strand). Cytogenetic location: 15q25.3.
Variant type: single nucleotide variant.
Coding change: c.1767C>T on transcript NM_001012338.3 (MANE Select); coding-DNA position 1767, C replaced by T.
Protein change: p.Ala589=; no amino-acid change (alanine 589 retained).
Molecular consequence: synonymous variant.
Genome position (GRCh38, 1-based): chr15:87,933,134, G>A on the plus strand (C>T on the coding strand, the complement: NTRK3 is on the minus strand). VCF-style: chr15-87933134-G-A. GRCh37 (hg19) VCF-style: chr15-88476365-G-A.
Other names: c.1767C>T, p.Ala589= (NM_001007155.1, NM_001375810.1, NM_001375811.1 and 1 more transcripts); c.1743C>T, p.Ala581= (NM_001243101.2, NM_001375812.1); c.1473C>T, p.Ala491= (NM_001320135.2).
Identifiers: ClinVar variation 3059099 (VCV003059099.2), dbSNP rs2277580, ClinGen allele CA7716706.